The following is an entry in ClinVar:

ClinVar aggregate classification (germline): Uncertain significance (1 of 4 stars; one submission).

Conditions:
Cardiovascular phenotype. Identifiers: MedGen CN230736.

Allele frequency attached by ClinVar (database versions not stated): gnomAD exomes below 0.00001; gnomAD 0.00001; TOPMed 0.00002.
gnomAD v4.1: 2 of 1,612,028 alleles (0.00012%); highest among the groups gnomAD compares: Admixed American, 0.0033%; no homozygotes.

Submission:

Ambry Genetics
Classification: Uncertain significance for Cardiovascular phenotype. Last evaluated: 2021-06-05. Review status: criteria provided, single submitter. Criteria: Ambry Variant Classification Scheme 2023. Collection method: clinical testing. Allele origin: germline.
Comment: The p.E195Q variant (also known as c.583G>C), located in coding exon 6 of the NEXN gene, results from a G to C substitution at nucleotide position 583. The glutamic acid at codon 195 is replaced by glutamine, an amino acid with highly similar properties. This amino acid position is not well conserved in available vertebrate species. In addition, this alteration is predicted to be tolerated by in silico analysis. Since supporting evidence is limited at this time, the clinical significance of this alteration remains unclear.

NM_144573.4(NEXN):c.583G>C (p.Glu195Gln)

Gene: NEXN (nexilin F-actin binding protein; plus strand). Cytogenetic location: 1p31.1.
Variant type: single nucleotide variant.
Coding change: c.583G>C on transcript NM_144573.4 (MANE Select); coding-DNA position 583, G replaced by C.
Protein change: p.Glu195Gln; replaces glutamic acid 195 with glutamine.
Molecular consequence: missense variant.
Genome position (GRCh38, 1-based): chr1:77,926,507, G>C. VCF-style: chr1-77926507-G-C. GRCh37 (hg19) VCF-style: chr1-78392192-G-C.
Other names: c.391G>C, p.Glu131Gln (NM_001172309.2); short protein forms E131Q, E195Q.
Identifiers: ClinVar variation 1750013 (VCV001750013.2), dbSNP rs1447535343, ClinGen allele CA340872627.